The following is an entry in ClinVar:

ClinVar aggregate classification (germline): Uncertain significance (1 of 4 stars; one submission).

gnomAD v4.1: 1 of 1,613,964 alleles (0.000062%); no homozygotes.

Submission:

Labcorp Genetics (formerly Invitae), Labcorp
Classification: Uncertain significance. Last evaluated: 2023-12-04. Review status: criteria provided, single submitter. Criteria: Invitae Variant Classification Sherloc (09022015). Collection method: clinical testing. Allele origin: germline.
Comment: This sequence change creates a premature translational stop signal (p.Arg149*) in the MACF1 gene. It is expected to result in an absent or disrupted protein product. However, the current clinical and genetic evidence is not sufficient to establish whether loss-of-function variants in MACF1 cause disease. This variant is not present in population databases (gnomAD no frequency). This variant has not been reported in the literature in individuals affected with MACF1-related conditions. In summary, the available evidence is currently insufficient to determine the role of this variant in disease. Therefore, it has been classified as a Variant of Uncertain Significance.

NM_001394062.1(MACF1):c.430C>T (p.Arg144Ter)

Gene: MACF1 (microtubule actin crosslinking factor 1; plus strand). Cytogenetic location: 1p34.3.
Variant type: single nucleotide variant.
Coding change: c.430C>T on transcript NM_001394062.1 (MANE Select); coding-DNA position 430, C replaced by T.
Protein change: p.Arg144Ter; replaces arginine 144 with a stop codon.
Molecular consequence: nonsense.
Genome position (GRCh38, 1-based): chr1:39,254,370, C>T. VCF-style: chr1-39254370-C-T. GRCh37 (hg19) VCF-style: chr1-39720042-C-T.
Other names: c.445C>T, p.Arg149Ter (NM_012090.5); short protein forms R144*, R149*.
Identifiers: ClinVar variation 2789415 (VCV002789415.3), dbSNP rs2522913879, ClinGen allele CA339754424.
Genomic context (GRCh38, chr1:39,254,370, plus strand): 5'-GGCAGGATGCGTTTTCATAGGCTGCAGAATGTGCAGATTGCCCTGGACTTCCTAAAGCAG[C>T]GACAGGTAAGACCATCACATGCCTTCCCCATTCTTCCAGGCTGTGTTGGCATTGGGGCCC-3'